The following is an entry in ClinVar:

ClinVar aggregate classification (germline): Pathogenic/Likely pathogenic. Review status: criteria provided, multiple submitters, no conflicts (2 of 4 stars). 2 submissions from 2 submitters: Pathogenic (1); Likely pathogenic (1). Last evaluated 2024-12-03.

Conditions:
Joubert syndrome 3 (JBTS3). Also called: AHI1-related Ciliopathy. Identifiers: Orphanet 220493, MedGen C1837713, MONDO:0012078, OMIM 608629.
Joubert syndrome. Also called: CEREBELLOPARENCHYMAL DISORDER IV; JOUBERT-BOLTSHAUSER SYNDROME; Familial aplasia of the vermis. Identifiers: Orphanet 475, MedGen C5979921, MONDO:0018772.

Submissions (2):

Labcorp Genetics (formerly Invitae), Labcorp
Classification: Pathogenic for Joubert syndrome. Last evaluated: 2024-12-03. Review status: criteria provided, single submitter. Criteria: Invitae Variant Classification Sherloc (09022015). Collection method: clinical testing. Allele origin: germline.
Comment: This sequence change creates a premature translational stop signal (p.Arg692Serfs*12) in the AHI1 gene. It is expected to result in an absent or disrupted protein product. Loss-of-function variants in AHI1 are known to be pathogenic (PMID: 15322546, 16453322, 28442542, 29186038). This variant is not present in population databases (gnomAD no frequency). This variant has not been reported in the literature in individuals affected with AHI1-related conditions. Algorithms developed to predict the effect of sequence changes on RNA splicing suggest that this variant may disrupt the consensus splice site. For these reasons, this variant has been classified as Pathogenic.

Fulgent Genetics
Classification: Likely pathogenic for Joubert syndrome 3. Last evaluated: 2024-03-20. Review status: criteria provided, single submitter. Criteria: ACMG Guidelines, 2015. Collection method: clinical testing. Allele origin: germline.

Literature cited by the submitters: PubMed 15322546 (cited by Labcorp Genetics (formerly Invitae), Labcorp); PubMed 16453322 (cited by Labcorp Genetics (formerly Invitae), Labcorp); PubMed 28442542 (cited by Labcorp Genetics (formerly Invitae), Labcorp); PubMed 29186038 (cited by Labcorp Genetics (formerly Invitae), Labcorp).

NM_001134831.2(AHI1):c.2076_2077del (p.Arg692fs)

Gene: AHI1 (Abelson helper integration site 1; minus strand). Cytogenetic location: 6q23.3.
Variant type: Microsatellite.
Coding change: c.2076_2077del on transcript NM_001134831.2 (MANE Select); coding-DNA positions 2076 to 2077, 2 bases deleted (AG; older notation c.2076_2077delAG).
Protein change: p.Arg692fs; shifts the reading frame from arginine 692.
Molecular consequence: frameshift variant.
Genome position (GRCh38, 1-based): chr6:135,433,216-135,433,217, CT deleted on the plus strand (AG on the coding strand, the reverse complement: AHI1 is on the minus strand); deleting any 2 consecutive bases within chr6:135,433,216-135,433,219 gives the same sequence; the c. name uses the placement nearest the transcript's 3' end. VCF-style (leftmost placement, unchanged base first): chr6-135433215-ACT-A. GRCh37 (hg19) VCF-style: chr6-135754353-ACT-A.
Other names: c.2076_2077del, p.Arg692fs (NM_001134830.2, NM_001134832.2, NM_001350503.2 and 2 more transcripts); c.2076_2077del (NM_017651.4); short protein forms R692fs.
Identifiers: ClinVar variation 3593151 (VCV003593151.3).